The following is an entry in ClinVar:

NM_198880.3(QRICH1):c.1345dup (p.Thr449fs)

Gene: QRICH1 (glutamine rich 1; minus strand). Cytogenetic location: 3p21.31.
Variant type: Duplication.
Coding change: c.1345dup on transcript NM_198880.3 (MANE Select); coding-DNA position 1345, one base duplicated (A; older notation c.1345dupA).
Protein change: p.Thr449fs; shifts the reading frame from threonine 449.
Molecular consequence: frameshift variant.
Genome position (GRCh38, 1-based): chr3:49,047,240, T duplicated on the plus strand (A on the coding strand, the reverse complement: QRICH1 is on the minus strand); the first of 3 consecutive T bases (chr3:49,047,240-49,047,242); duplicating any one gives the same sequence. VCF-style (leftmost placement, unchanged base first): chr3-49047239-G-GT. GRCh37 (hg19) VCF-style: chr3-49084672-G-GT.
Other names: c.1345dup, p.Thr449fs (NM_001320580.2, NM_001320581.2, NM_001320582.2 and 4 more transcripts); short protein forms T449fs.
Identifiers: ClinVar variation 3428870 (VCV003428870.1).

ClinVar aggregate classification (germline): Pathogenic (1 of 4 stars; one submission).

Conditions:
Inborn genetic diseases. Identifiers: MedGen C0950123, MeSH D030342.

Submission:

Ambry Genetics
Classification: Pathogenic for Inborn genetic diseases. Last evaluated: 2024-08-14. Review status: criteria provided, single submitter. Criteria: Ambry Variant Classification Scheme 2023. Collection method: clinical testing. Allele origin: germline.
Comment: The c.1345dupA (p.T449Nfs*6) alteration, located in exon 5 (coding exon 3) of the QRICH1 gene, consists of a duplication of A at position 1345, causing a translational frameshift with a predicted alternate stop codon after 6 amino acids. This alteration is expected to result in loss of function by premature protein truncation or nonsense-mediated mRNA decay. This variant was not reported in population-based cohorts in the Genome Aggregation Database (gnomAD). Based on the available evidence, this alteration is classified as pathogenic.